The following is an entry in ClinVar:

NM_006267.5(RANBP2):c.834G>A (p.Leu278=)

Gene: RANBP2 (RAN binding protein 2; plus strand). Cytogenetic location: 2q13.
Variant type: single nucleotide variant.
Coding change: c.834G>A on transcript NM_006267.5 (MANE Select); coding-DNA position 834, G replaced by A.
Protein change: p.Leu278=; no amino-acid change (leucine 278 retained).
Molecular consequence: synonymous variant.
Genome position (GRCh38, 1-based): chr2:108,740,540, G>A. VCF-style: chr2-108740540-G-A. GRCh37 (hg19) VCF-style: chr2-109356996-G-A.
Identifiers: ClinVar variation 710634 (VCV000710634.35), dbSNP rs199652721, ClinGen allele CA1822147.

ClinVar aggregate classification (germline): Benign/Likely benign. Review status: criteria provided, multiple submitters, no conflicts (2 of 4 stars). 3 submissions from 3 submitters: Benign (1); Likely benign (2). Last evaluated 2024-11-22.

Conditions:
Familial acute necrotizing encephalopathy (IIAE3). Also called: Susceptibility to Acute Necrotizing Encephalopathy 1; ENCEPHALOPATHY, ACUTE, INFECTION-INDUCED, SUSCEPTIBILITY TO, 3. Identifiers: Orphanet 88619, MedGen C2675556, MONDO:0011953, OMIM 608033.

Allele frequency attached by ClinVar (database versions not stated): ESP Exome Variant Server 0.00008; TOPMed 0.00011; ExAC 0.00015; gnomAD 0.00018 and 0.00019; gnomAD exomes 0.00018 and 0.00021.
gnomAD v4.1: 345 of 1,597,434 alleles (0.022%); highest among the groups gnomAD compares: Non-Finnish European, 0.022%; no homozygotes.

Submissions (3):

Blueprint Genetics
Classification: Likely benign. Last evaluated: 2024-11-22. Review status: criteria provided, single submitter. Criteria: ACMG Guidelines, 2015. Collection method: clinical testing. Allele origin: germline.

CeGaT Center for Human Genetics Tuebingen
Classification: Likely benign. Last evaluated: 2022-11-01. Review status: criteria provided, single submitter. Criteria: CeGaT Center For Human Genetics Tuebingen Variant Classification Criteria Version 2. Collection method: clinical testing. Allele origin: germline. Affected: yes. Observed: 1 variant allele.
Comment: RANBP2: BP4, BP7

Labcorp Genetics (formerly Invitae), Labcorp
Classification: Benign for Familial acute necrotizing encephalopathy. Last evaluated: 2022-02-09. Review status: criteria provided, single submitter. Criteria: Invitae Variant Classification Sherloc (09022015). Collection method: clinical testing. Allele origin: germline.